The following is an entry in ClinVar:

NM_000316.3(PTH1R):c.216G>A (p.Ala72=)

Gene: PTH1R (parathyroid hormone 1 receptor; plus strand). Cytogenetic location: 3p21.31.
Variant type: single nucleotide variant.
Coding change: c.216G>A on transcript NM_000316.3 (MANE Select); coding-DNA position 216, G replaced by A.
Protein change: p.Ala72=; no amino-acid change (alanine 72 retained).
Molecular consequence: synonymous variant.
Genome position (GRCh38, 1-based): chr3:46,895,772, G>A. VCF-style: chr3-46895772-G-A. GRCh37 (hg19) VCF-style: chr3-46937262-G-A.
Other names: c.216G>A, p.Ala72= (NM_001184744.1).
Identifiers: ClinVar variation 345579 (VCV000345579.54), dbSNP rs116789130, ClinGen allele CA2359121.

ClinVar aggregate classification (germline): Benign/Likely benign. Review status: criteria provided, multiple submitters, no conflicts (2 of 4 stars). 9 submissions from 8 submitters: Benign (5); Likely benign (4). Last evaluated 2026-01-19.

Conditions:
Chondrodysplasia Blomstrand type (BOCD). Identifiers: Orphanet 50945, MedGen C1859148, MONDO:0008970, OMIM 215045.
Metaphyseal chondrodysplasia, Jansen type. Also called: PTH1R-Related Jansen Metaphyseal Chondrodysplasia; Metaphyseal chondrodysplasia Murk Jansen type. Identifiers: Orphanet 33067, MedGen C0265295, MONDO:0007982, OMIM 156400.
Primary failure of tooth eruption. Also called: DENTAL NONERUPTION; POSTERIOR OPENBITE MALOCCLUSION, FAMILIAL; PRIMARY RETENTION OF TEETH; UNERUPTED SECOND PRIMARY MOLAR. Identifiers: Orphanet 412206, MedGen C1852222, MONDO:0007434, OMIM 125350.
Eiken syndrome (EKNS). Also called: BONE MODELING DEFECT OF HANDS AND FEET. Identifiers: Orphanet 79106, MedGen C1838779, MONDO:0010803, OMIM 600002.

Allele frequency attached by ClinVar (database versions not stated): ExAC 0.00174; gnomAD 0.00442 and 0.00466; TOPMed 0.00513; 1000 Genomes Project 0.00539; 1000 Genomes Project 30x 0.00562; ESP Exome Variant Server 0.00692.
gnomAD v4.1: 1,882 of 1,614,128 alleles (0.12%); highest among the groups gnomAD compares: African/African-American, 1.4%; 10 homozygotes.

Submissions (9):

Labcorp Genetics (formerly Invitae), Labcorp
Classification: Benign. Last evaluated: 2026-01-19. Review status: criteria provided, single submitter. Criteria: Invitae Variant Classification Sherloc (09022015). Collection method: clinical testing. Allele origin: germline.

Blueprint Genetics
Classification: Likely benign. Last evaluated: 2024-11-01. Review status: criteria provided, single submitter. Criteria: ACMG Guidelines, 2015. Collection method: clinical testing. Allele origin: germline.

CeGaT Center for Human Genetics Tuebingen
Classification: Benign. Last evaluated: 2022-05-01. Review status: criteria provided, single submitter. Criteria: CeGaT Center For Human Genetics Tuebingen Variant Classification Criteria Version 2. Collection method: clinical testing. Allele origin: germline. Affected: yes. Observed: 1 variant allele.
Comment: PTH1R: BP4, BP7, BS1, BS2

GeneDx
Classification: Likely benign. Last evaluated: 2021-10-11. Review status: criteria provided, single submitter. Criteria: GeneDx Variant Classification Process June 2021. Collection method: clinical testing. Allele origin: germline. Affected: yes.

Fulgent Genetics
Classification: Likely benign for Primary failure of tooth eruption; Metaphyseal chondrodysplasia, Jansen type; Chondrodysplasia Blomstrand type; Eiken syndrome. Last evaluated: 2021-07-15. Review status: criteria provided, single submitter. Criteria: ACMG Guidelines, 2015. Collection method: clinical testing. Allele origin: unknown.

ARUP Laboratories, Molecular Genetics and Genomics, ARUP Laboratories
Classification: Benign. Last evaluated: 2020-08-31. Review status: criteria provided, single submitter. Criteria: ARUP Molecular Germline Variant Investigation Process. Collection method: clinical testing. Allele origin: germline.

Illumina Laboratory Services, Illumina
Classification: Benign for Chondrodysplasia Blomstrand type. Last evaluated: 2018-01-13. Review status: criteria provided, single submitter. Criteria: ICSL Variant Classification Criteria 13 December 2019. Collection method: clinical testing. Allele origin: germline.
Comment: This variant was observed in the ICSL laboratory as part of a predisposition screen in an ostensibly healthy population. It had not been previously curated by ICSL or reported in the Human Gene Mutation Database (HGMD: prior to June 1st, 2018), and was therefore a candidate for classification through an automated scoring system. Utilizing variant allele frequency, disease prevalence and penetrance estimates, and inheritance mode, an automated score was calculated to assess if this variant is too frequent to cause the disease. Based on the score and internal cut-off values, a variant classified as benign is not then subjected to further curation. The score for this variant resulted in a classification of benign for this disease.

Illumina Laboratory Services, Illumina
Classification: Benign for Metaphyseal chondrodysplasia, Jansen type. Last evaluated: 2018-01-13. Review status: criteria provided, single submitter. Criteria: ICSL Variant Classification Criteria 13 December 2019. Collection method: clinical testing. Allele origin: germline.
Comment: the same text as in the submission from Illumina Laboratory Services, Illumina above.

Breakthrough Genomics
Classification: Likely benign. Review status: criteria provided, single submitter. Criteria: ACMG Guidelines, 2015. Collection method: not provided. Allele origin: germline. Inheritance: Autosomal recessive inheritance. Affected: yes.